The following is an entry in ClinVar:

NM_138959.3(VANGL1):c.*5841A>T

Gene: VANGL1 (VANGL planar cell polarity protein 1; plus strand). Cytogenetic location: 1p13.1.
Variant type: single nucleotide variant.
Coding change: c.*5841A>T on transcript NM_138959.3 (MANE Select); 5841 bases downstream of the stop codon, A replaced by T.
Molecular consequence: 3 prime UTR variant.
Genome position (GRCh38, 1-based): chr1:115,697,220, A>T. VCF-style: chr1-115697220-A-T. GRCh37 (hg19) VCF-style: chr1-116239841-A-T.
Other names: c.*5841A>T (NM_001172411.2, NM_001172412.2).
Identifiers: ClinVar variation 292097 (VCV000292097.8), dbSNP rs4548441, ClinGen allele CA10607582.

ClinVar aggregate classification (germline): Benign/Likely benign. Review status: criteria provided, multiple submitters, no conflicts (2 of 4 stars). 3 submissions from 2 submitters: Benign (2); Likely benign (1). Last evaluated 2018-01-13.

Conditions:
Sacral defect with anterior meningocele. Identifiers: MedGen C1838568, OMIM 600145.
Neural tube defect (NTD). Also called: Neural tube defects. Identifiers: Orphanet 3388, Orphanet 823, MedGen C0027794, MONDO:0018075, HP:0045005.

Allele frequency attached by ClinVar (database versions not stated): gnomAD 0.39752 and 0.39764; TOPMed 0.40011; 1000 Genomes Project 0.42312; 1000 Genomes Project 30x 0.42661.

Submissions (3):

Illumina Laboratory Services, Illumina
Classification: Benign for Sacral defect with anterior meningocele. Last evaluated: 2018-01-13. Review status: criteria provided, single submitter. Criteria: ICSL Variant Classification Criteria 13 December 2019. Collection method: clinical testing. Allele origin: germline.
Comment: This variant was observed in the ICSL laboratory as part of a predisposition screen in an ostensibly healthy population. It had not been previously curated by ICSL or reported in the Human Gene Mutation Database (HGMD: prior to June 1st, 2018), and was therefore a candidate for classification through an automated scoring system. Utilizing variant allele frequency, disease prevalence and penetrance estimates, and inheritance mode, an automated score was calculated to assess if this variant is too frequent to cause the disease. Based on the score and internal cut-off values, a variant classified as benign is not then subjected to further curation. The score for this variant resulted in a classification of benign for this disease.

Illumina Laboratory Services, Illumina
Classification: Benign for Neural tube defects, susceptibility to. Last evaluated: 2018-01-13. Review status: criteria provided, single submitter. Criteria: ICSL Variant Classification Criteria 13 December 2019. Collection method: clinical testing. Allele origin: germline.
Comment: the same text as in the submission from Illumina Laboratory Services, Illumina above.

Breakthrough Genomics
Classification: Likely benign. Review status: criteria provided, single submitter. Criteria: ACMG Guidelines, 2015. Collection method: not provided. Allele origin: germline. Inheritance: Autosomal dominant inheritance. Affected: yes.